The following is an entry in ClinVar:

ClinVar aggregate classification (germline): Uncertain significance (1 of 4 stars; one submission).

Conditions:
Megalencephaly-polymicrogyria-polydactyly-hydrocephalus syndrome 2 (MPPH2). Also called: MEGALENCEPHALY-POLYMICROGYRIA-POLYDACTYLY-HYDROCEPHALUS SYNDROME 2, SOMATIC. Identifiers: Orphanet 83473, MedGen C4014738, MONDO:0014407, OMIM 615937.

Submission:

Labcorp Genetics (formerly Invitae), Labcorp
Classification: Uncertain significance for Megalencephaly-polymicrogyria-polydactyly-hydrocephalus syndrome 2. Last evaluated: 2019-09-26. Review status: criteria provided, single submitter. Criteria: Invitae Variant Classification Sherloc (09022015). Collection method: clinical testing. Allele origin: germline.
Comment: In summary, the available evidence is currently insufficient to determine the role of this variant in disease. Therefore, it has been classified as a Variant of Uncertain Significance. Algorithms developed to predict the effect of missense changes on protein structure and function are either unavailable or do not agree on the potential impact of this missense change (SIFT: "Deleterious"; PolyPhen-2: "Benign"; Align-GVGD: "Class C0"). This variant has not been reported in the literature in individuals with AKT3-related conditions. This variant is not present in population databases (ExAC no frequency). This sequence change replaces valine with isoleucine at codon 228 of the AKT3 protein (p.Val228Ile). The valine residue is highly conserved and there is a small physicochemical difference between valine and isoleucine.

NM_005465.7(AKT3):c.682G>A (p.Val228Ile)

Gene: AKT3 (AKT serine/threonine kinase 3; minus strand). Cytogenetic location: 1q44.
Variant type: single nucleotide variant.
Coding change: c.682G>A on transcript NM_005465.7 (MANE Select); coding-DNA position 682, G replaced by A.
Protein change: p.Val228Ile; replaces valine 228 with isoleucine.
Molecular consequence: missense variant.
Genome position (GRCh38, 1-based): chr1:243,613,685, C>T on the plus strand (G>A on the coding strand, the complement: AKT3 is on the minus strand). VCF-style: chr1-243613685-C-T. GRCh37 (hg19) VCF-style: chr1-243776987-C-T.
Other names: c.682G>A, p.Val228Ile (NM_001206729.2, NM_001370074.1, NM_181690.2); short protein forms V228I.
Identifiers: ClinVar variation 964313 (VCV000964313.9), dbSNP rs1678068695, ClinGen allele CA345668844.